The following is an entry in ClinVar:

NM_030665.4(RAI1):c.1054C>T (p.Arg352Cys)

Gene: RAI1 (retinoic acid induced 1; plus strand). Cytogenetic location: 17p11.2.
Variant type: single nucleotide variant.
Coding change: c.1054C>T on transcript NM_030665.4 (MANE Select); coding-DNA position 1054, C replaced by T.
Protein change: p.Arg352Cys; replaces arginine 352 with cysteine.
Molecular consequence: missense variant.
Genome position (GRCh38, 1-based): chr17:17,794,002, C>T. VCF-style: chr17-17794002-C-T. GRCh37 (hg19) VCF-style: chr17-17697316-C-T.
Other names: short protein forms R352C.
Identifiers: ClinVar variation 1336950 (VCV001336950.12), dbSNP rs907728820, ClinGen allele CA288367476.
Genomic context (GRCh38, chr17:17,794,002, plus strand): 5'-GAGCAGTACTACCAGACCTTCAGCCCCAGCTCCAGCCACTCACCCGCCCGCTCCGTGGGC[C>T]GCTCACCTTCCTACAGTTCCACACCGTCGCCGCTGATGCCAAACCTGGAGAACTTTCCCT-3'
Protein context (NP_109590.3, residues 342-362): SSHSPARSVG[Arg352Cys]SPSYSSTPSP

ClinVar aggregate classification (germline): Conflicting classifications of pathogenicity. Review status: criteria provided, conflicting classifications (1 of 4 stars). 5 submissions from 5 submitters: Uncertain significance (4); Likely benign (1). Last evaluated 2026-01-20.

Conditions:
Inborn genetic diseases. Identifiers: MedGen C0950123, MeSH D030342.
RAI1-related disorder. Also called: RAI1-related condition.

Allele frequency attached by ClinVar (database versions not stated): gnomAD 0.00001; TOPMed 0.00002.
gnomAD v4.1: 20 of 1,613,844 alleles (0.0012%); highest among the groups gnomAD compares: Admixed American, 0.0017%; no homozygotes.

Submissions (5):

PreventionGenetics, part of Exact Sciences
Classification: Uncertain significance for RAI1-related condition. Last evaluated: 2026-01-20. Review status: criteria provided, single submitter. Criteria: ACMG Guidelines, 2015. Collection method: clinical testing. Allele origin: germline.
Comment: The RAI1 c.1054C>T variant is predicted to result in the amino acid substitution p.Arg352Cys. To our knowledge, this variant has not been reported in the literature or in a large population database (gnomAD), indicating this variant is rare. At this time, the clinical significance of this variant is uncertain due to the absence of conclusive functional and genetic evidence.

Labcorp Genetics (formerly Invitae), Labcorp
Classification: Likely benign. Last evaluated: 2025-02-09. Review status: criteria provided, single submitter. Criteria: Invitae Variant Classification Sherloc (09022015). Collection method: clinical testing. Allele origin: germline.

Blueprint Genetics
Classification: Uncertain significance. Last evaluated: 2024-11-25. Review status: criteria provided, single submitter. Criteria: ACMG Guidelines, 2015. Collection method: clinical testing. Allele origin: germline.

Ambry Genetics
Classification: Uncertain significance for Inborn genetic diseases. Last evaluated: 2023-09-14. Review status: criteria provided, single submitter. Criteria: Ambry Variant Classification Scheme 2023. Collection method: clinical testing. Allele origin: germline.

Genetic Services Laboratory, University of Chicago
Classification: Uncertain significance. Last evaluated: 2018-12-14. Review status: criteria provided, single submitter. Criteria: ACMG Guidelines, 2015. Collection method: clinical testing. Allele origin: germline. Affected: no.